The following is an entry in ClinVar:

NM_021098.3(CACNA1H):c.4860C>T (p.Asp1620=)

Gene: CACNA1H (calcium voltage-gated channel subunit alpha1 H; plus strand). Cytogenetic location: 16p13.3.
Variant type: single nucleotide variant.
Coding change: c.4860C>T on transcript NM_021098.3 (MANE Select); coding-DNA position 4860, C replaced by T.
Protein change: p.Asp1620=; no amino-acid change (aspartic acid 1620 retained).
Molecular consequence: synonymous variant.
Genome position (GRCh38, 1-based): chr16:1,213,862, C>T. VCF-style: chr16-1213862-C-T. GRCh37 (hg19) VCF-style: chr16-1263862-C-T.
Other names: c.4842C>T, p.Asp1614= (NM_001005407.2).
Identifiers: ClinVar variation 460129 (VCV000460129.15), dbSNP rs201309183, ClinGen allele CA7801646.

ClinVar aggregate classification (germline): Likely benign. Review status: criteria provided, multiple submitters, no conflicts (2 of 4 stars). 3 submissions from 3 submitters: Likely benign (2). 1 of the submissions does not count toward it. Last evaluated 2026-01-15.

Conditions:
CACNA1H-related disorder.
Hyperaldosteronism, familial, type IV (HALD4). Also called: FH IV; ALDOSTERONISM, PRIMARY, AND HYPERTENSION. Identifiers: Orphanet 642671, MedGen C4310756, MONDO:0014875, OMIM 617027.
Idiopathic generalized epilepsy. Also called: Generalised epilepsy; EIG. Identifiers: MedGen C0270850, MONDO:0005579, OMIM 600669.

Allele frequency attached by ClinVar (database versions not stated): 1000 Genomes Project 30x 0.00016; TOPMed 0.00017; gnomAD 0.00018 and 0.00021; 1000 Genomes Project 0.00020; gnomAD exomes 0.00023 and 0.00027; ESP Exome Variant Server 0.00024; ExAC 0.00042.
gnomAD v4.1: 367 of 1,610,388 alleles (0.023%); highest among the groups gnomAD compares: South Asian, 0.03%; 2 homozygotes.

Submissions (3):

Labcorp Genetics (formerly Invitae), Labcorp
Classification: Likely benign for Idiopathic generalized epilepsy; Hyperaldosteronism, familial, type IV. Last evaluated: 2026-01-15. Review status: criteria provided, single submitter. Criteria: Invitae Variant Classification Sherloc (09022015). Collection method: clinical testing. Allele origin: germline.

Blueprint Genetics
Classification: Likely benign. Last evaluated: 2024-10-22. Review status: criteria provided, single submitter. Criteria: ACMG Guidelines, 2015. Collection method: clinical testing. Allele origin: germline.

PreventionGenetics, part of Exact Sciences
Classification: Likely benign for CACNA1H-related condition. Last evaluated: 2019-10-28. Review status: no assertion criteria provided. Collection method: clinical testing. Allele origin: germline. Not counted in ClinVar's aggregate classification.
Comment: This variant is classified as likely benign based on ACMG/AMP sequence variant interpretation guidelines (Richards et al. 2015 PMID: 25741868, with internal and published modifications).